The following is an entry in ClinVar:

ClinVar aggregate classification (germline): Pathogenic (1 of 4 stars; one submission).

Conditions:
Hereditary cancer-predisposing syndrome. Also called: Neoplastic Syndromes, Hereditary; Tumor predisposition; Hereditary neoplastic syndrome; Hereditary Cancer Syndrome. Identifiers: Orphanet 140162, MedGen C0027672, MeSH D009386, MONDO:0015356.

Submission:

Ambry Genetics
Classification: Pathogenic for Hereditary cancer-predisposing syndrome. Last evaluated: 2019-11-13. Review status: criteria provided, single submitter. Criteria: Ambry Variant Classification Scheme 2023. Collection method: clinical testing. Allele origin: germline.
Comment: The p.S2432* pathogenic mutation (also known as c.7295C>G), located in coding exon 15 of the APC gene, results from a C to G substitution at nucleotide position 7295. This changes the amino acid from a serine to a stop codon within coding exon 15. This alteration is expected to result in loss of function by premature protein truncation. As such, this alteration is interpreted as a disease-causing mutation.

NM_000038.6(APC):c.7295C>G (p.Ser2432Ter)

Gene: APC (APC regulator of Wnt signaling pathway; plus strand). Cytogenetic location: 5q22.2.
Variant type: single nucleotide variant.
Coding change: c.7295C>G on transcript NM_000038.6 (MANE Select); coding-DNA position 7295, C replaced by G.
Protein change: p.Ser2432Ter; replaces serine 2432 with a stop codon.
Molecular consequence: nonsense.
Genome position (GRCh38, 1-based): chr5:112,842,889, C>G. VCF-style: chr5-112842889-C-G. GRCh37 (hg19) VCF-style: chr5-112178586-C-G.
Other names: c.7295C>G, p.Ser2432Ter (NM_001127510.3, NM_001354895.2); c.7241C>G, p.Ser2414Ter (NM_001127511.3); c.7349C>G, p.Ser2450Ter (NM_001354896.2); c.7325C>G, p.Ser2442Ter (NM_001354897.2); c.7220C>G, p.Ser2407Ter (NM_001354898.2); c.7211C>G, p.Ser2404Ter (NM_001354899.2); c.7172C>G, p.Ser2391Ter (NM_001354900.2); c.7118C>G, p.Ser2373Ter (NM_001354901.2); and 5 more; short protein forms S2149*, S2306*, S2404*, S2341*, S2373*, S2391*, S2414*, S2432*.
Identifiers: ClinVar variation 826949 (VCV000826949.4), dbSNP rs1580680919, ClinGen allele CA16037219.